The following is an entry in ClinVar:

NM_006767.4(LZTR1):c.245T>A (p.Val82Glu)

Gene: LZTR1 (leucine zipper like post translational regulator 1; plus strand). Cytogenetic location: 22q11.21.
Variant type: single nucleotide variant.
Coding change: c.245T>A on transcript NM_006767.4 (MANE Select); coding-DNA position 245, T replaced by A.
Protein change: p.Val82Glu; replaces valine 82 with glutamic acid.
Molecular consequence: missense variant.
Genome position (GRCh38, 1-based): chr22:20,983,071, T>A. VCF-style: chr22-20983071-T-A. GRCh37 (hg19) VCF-style: chr22-21337360-T-A.
Other names: short protein forms V82E.
Identifiers: ClinVar variation 3541656 (VCV003541656.1).

ClinVar aggregate classification (germline): Uncertain significance (1 of 4 stars; one submission).

Conditions:
Hereditary cancer-predisposing syndrome. Also called: Hereditary Cancer Syndrome; Hereditary neoplastic syndrome; Tumor predisposition; Neoplastic Syndromes, Hereditary. Identifiers: Orphanet 140162, MedGen C0027672, MeSH D009386, MONDO:0015356.
Cardiovascular phenotype. Identifiers: MedGen CN230736.

Submission:

Ambry Genetics
Classification: Uncertain significance for Cardiovascular phenotype; Hereditary cancer-predisposing syndrome. Last evaluated: 2024-10-15. Review status: criteria provided, single submitter. Criteria: Ambry Variant Classification Scheme 2023. Collection method: clinical testing. Allele origin: germline.
Comment: The p.V82E variant (also known as c.245T>A), located in coding exon 2 of the LZTR1 gene, results from a T to A substitution at nucleotide position 245. The valine at codon 82 is replaced by glutamic acid, an amino acid with dissimilar properties. This amino acid position is conserved. In addition, this alteration is predicted to be deleterious by in silico analysis. Based on the available evidence, the clinical significance of this variant remains unclear.